The following is an entry in ClinVar:

ClinVar aggregate classification (germline): Uncertain significance (1 of 4 stars; one submission).

Conditions:
Congenital myasthenic syndrome 8. Also called: Myasthenic syndrome, congenital, 8, with pre- and postsynaptic defects; MYASTHENIC SYNDROME, CONGENITAL, DUE TO AGRIN DEFICIENCY. Identifiers: Orphanet 590, MedGen C3808739, MONDO:0014052, OMIM 615120.

Allele frequency attached by ClinVar (database versions not stated): gnomAD exomes below 0.00001.
gnomAD v4.1: 1 of 1,538,632 alleles (0.000065%); highest among the groups gnomAD compares: South Asian, 0.0012%; no homozygotes.

Submission:

Labcorp Genetics (formerly Invitae), Labcorp
Classification: Uncertain significance for Congenital myasthenic syndrome 8. Last evaluated: 2022-03-08. Review status: criteria provided, single submitter. Criteria: Invitae Variant Classification Sherloc (09022015). Collection method: clinical testing. Allele origin: germline.
Comment: Algorithms developed to predict the effect of missense changes on protein structure and function are either unavailable or do not agree on the potential impact of this missense change (SIFT: "Deleterious"; PolyPhen-2: "Probably Damaging"; Align-GVGD: "Class C0"). This sequence change replaces tyrosine, which is neutral and polar, with cysteine, which is neutral and slightly polar, at codon 217 of the AGRN protein (p.Tyr217Cys). This variant is not present in population databases (gnomAD no frequency). This variant has not been reported in the literature in individuals affected with AGRN-related conditions. In summary, the available evidence is currently insufficient to determine the role of this variant in disease. Therefore, it has been classified as a Variant of Uncertain Significance.

NM_198576.4(AGRN):c.650A>G (p.Tyr217Cys)

Genes: AGRN (agrin; plus strand), LOC129929077 (ATAC-STARR-seq lymphoblastoid silent region 23; plus strand). Cytogenetic location: 1p36.33.
Variant type: single nucleotide variant.
Coding change: c.650A>G on transcript NM_198576.4 (MANE Select); coding-DNA position 650, A replaced by G.
Protein change: p.Tyr217Cys; replaces tyrosine 217 with cysteine.
Molecular consequence: missense variant.
Genome position (GRCh38, 1-based): chr1:1,040,803, A>G. VCF-style: chr1-1040803-A-G. GRCh37 (hg19) VCF-style: chr1-976183-A-G.
Other names: c.650A>G, p.Tyr217Cys (NM_001305275.2); c.335A>G, p.Tyr112Cys (NM_001364727.2); short protein forms Y217C, Y112C.
Identifiers: ClinVar variation 1357731 (VCV001357731.8), dbSNP rs2100629904, ClinGen allele CA337822415.
Genomic context (GRCh38, chr1:1,040,803, plus strand): 5'-GCAAGAAGAGCCCGTGCCCCAGCGTGGTGGCGCCTGTGTGTGGGTCGGACGCCTCCACCT[A>G]CAGCAACGAATGCGAGCTGCAGCGGGCGCAGTGCAGCCAGCAGCGCCGCATCCGCCTGCT-3'
Protein context (NP_940978.2, residues 207-227): APVCGSDAST[Tyr217Cys]SNECELQRAQ